The following is an entry in ClinVar:

NM_021951.3(DMRT1):c.736A>G (p.Asn246Asp)

Genes: DMRT1 (doublesex and mab-3 related transcription factor 1; plus strand), LOC130001446 (ATAC-STARR-seq lymphoblastoid active region 28121; plus strand). Cytogenetic location: 9p24.3.
Variant type: single nucleotide variant.
Coding change: c.736A>G on transcript NM_021951.3 (MANE Select); coding-DNA position 736, A replaced by G.
Protein change: p.Asn246Asp; replaces asparagine 246 with aspartic acid.
Molecular consequence: missense variant.
Genome position (GRCh38, 1-based): chr9:894,109, A>G. VCF-style: chr9-894109-A-G. GRCh37 (hg19) VCF-style: chr9-894109-A-G.
Other names: c.736A>G (NM_021951.2); c.262A>G, p.Asn88Asp (NM_001363767.1); short protein forms N246D, N88D.
Identifiers: ClinVar variation 1508828 (VCV001508828.9), dbSNP rs1166688024, ClinGen allele CA372776950.
Genomic context (GRCh38, chr9:894,109, plus strand): 5'-TACAACTGCCCGCAGTACTCCATGGCCTTGGCTGCTGATTCTGCTTCTGGGGAGGTGGGA[A>G]ATCCCCTCGGGGGATCCCCTGTGAAGAACAGCCTTCGGGGCCTCCCCGGACCTTATGTGC-3'
Protein context (NP_068770.2, residues 236-256): AADSASGEVG[Asn246Asp]PLGGSPVKNS

ClinVar aggregate classification (germline): Uncertain significance. Review status: criteria provided, multiple submitters, no conflicts (2 of 4 stars). 2 submissions from 2 submitters: Uncertain significance (2). Last evaluated 2025-12-08.

Allele frequency attached by ClinVar (database versions not stated): gnomAD exomes 0.00003; TOPMed 0.00007; gnomAD 0.00008.
gnomAD v4.1: 25 of 1,614,080 alleles (0.0015%); highest among the groups gnomAD compares: Admixed American, 0.032%; no homozygotes.

Submissions (2):

Ambry Genetics
Classification: Uncertain significance. Last evaluated: 2025-12-08. Review status: criteria provided, single submitter. Criteria: Ambry Variant Classification Scheme 2023. Collection method: clinical testing. Allele origin: germline.

Labcorp Genetics (formerly Invitae), Labcorp
Classification: Uncertain significance. Last evaluated: 2025-06-12. Review status: criteria provided, single submitter. Criteria: Invitae Variant Classification Sherloc (09022015). Collection method: clinical testing. Allele origin: germline.
Comment: This sequence change replaces asparagine, which is neutral and polar, with aspartic acid, which is acidic and polar, at codon 246 of the DMRT1 protein (p.Asn246Asp). This variant is present in population databases (no rsID available, gnomAD 0.02%). This variant has not been reported in the literature in individuals affected with DMRT1-related conditions. ClinVar contains an entry for this variant (Variation ID: 1508828). Invitae Evidence Modeling of protein sequence and biophysical properties (such as structural, functional, and spatial information, amino acid conservation, physicochemical variation, residue mobility, and thermodynamic stability) indicates that this missense variant is not expected to disrupt DMRT1 protein function with a negative predictive value of 80%. In summary, the available evidence is currently insufficient to determine the role of this variant in disease. Therefore, it has been classified as a Variant of Uncertain Significance.